The following is an entry in ClinVar:

ClinVar aggregate classification (germline): Uncertain significance (1 of 4 stars; one submission).

Allele frequency attached by ClinVar (database versions not stated): gnomAD exomes below 0.00001; TOPMed below 0.00001.
gnomAD v4.1: 2 of 1,609,964 alleles (0.00012%); highest among the groups gnomAD compares: Non-Finnish European, 0.000085%; no homozygotes.

Submission:

Labcorp Genetics (formerly Invitae), Labcorp
Classification: Uncertain significance. Last evaluated: 2022-04-19. Review status: criteria provided, single submitter. Criteria: Invitae Variant Classification Sherloc (09022015). Collection method: clinical testing. Allele origin: germline.
Comment: This sequence change replaces methionine, which is neutral and non-polar, with valine, which is neutral and non-polar, at codon 492 of the ARHGEF18 protein (p.Met492Val). This variant is not present in population databases (gnomAD no frequency). This variant has not been reported in the literature in individuals affected with ARHGEF18-related conditions. Algorithms developed to predict the effect of missense changes on protein structure and function output the following: SIFT: "Tolerated"; PolyPhen-2: "Benign"; Align-GVGD: "Class C0". The valine amino acid residue is found in multiple mammalian species, which suggests that this missense change does not adversely affect protein function. In summary, the available evidence is currently insufficient to determine the role of this variant in disease. Therefore, it has been classified as a Variant of Uncertain Significance.

NM_001367823.1(ARHGEF18):c.2038A>G (p.Met680Val)

Gene: ARHGEF18 (Rho/Rac guanine nucleotide exchange factor 18; plus strand). Cytogenetic location: 19p13.2.
Variant type: single nucleotide variant.
Coding change: c.2038A>G on transcript NM_001367823.1 (MANE Select); coding-DNA position 2038, A replaced by G.
Protein change: p.Met680Val; replaces methionine 680 with valine.
Molecular consequence: missense variant.
Genome position (GRCh38, 1-based): chr19:7,453,649, A>G. VCF-style: chr19-7453649-A-G. GRCh37 (hg19) VCF-style: chr19-7518535-A-G.
Other names: c.1312A>G, p.Met438Val (NM_001130955.2); c.1000A>G, p.Met334Val (NM_001367824.1, NM_015318.4); short protein forms M438V, M680V, M334V.
Identifiers: ClinVar variation 1416934 (VCV001416934.3), dbSNP rs911297320, ClinGen allele CA304891296.